The following is an entry in ClinVar:

NM_022089.4(ATP13A2):c.629T>A (p.Met210Lys)

Gene: ATP13A2 (ATPase cation transporting 13A2; minus strand). Cytogenetic location: 1p36.13.
Variant type: single nucleotide variant.
Coding change: c.629T>A on transcript NM_022089.4 (MANE Select); coding-DNA position 629, T replaced by A.
Protein change: p.Met210Lys; replaces methionine 210 with lysine.
Molecular consequence: missense variant.
Genome position (GRCh38, 1-based): chr1:17,002,302, A>T on the plus strand (T>A on the coding strand, the complement: ATP13A2 is on the minus strand). VCF-style: chr1-17002302-A-T. GRCh37 (hg19) VCF-style: chr1-17328797-A-T.
Other names: c.614T>A, p.Met205Lys (NM_001141973.3, NM_001141974.3); short protein forms M205K, M210K.
Identifiers: ClinVar variation 1752700 (VCV001752700.6), dbSNP rs749082570, ClinGen allele CA637562.
Genomic context (GRCh38, chr1:17,002,302, plus strand): 5'-GGCAACACAAGGAGCCCCAGTTCTCAGGGCACCCCGGTCCAGGGCAGCACTGACCTCACC[A>T]TTTGGTCCTGGAGGCTGAGGCCATGGCGGGAGCGGTGGACGTCGTCACAAGAGCGGCCAT-3'
Protein context (NP_071372.1, residues 200-220): SRHGLSLQDQ[Met210Lys]VRKAIYGPNV

ClinVar aggregate classification (germline): Uncertain significance. Review status: criteria provided, multiple submitters, no conflicts (2 of 4 stars). 2 submissions from 2 submitters: Uncertain significance (2). Last evaluated 2022-10-26.

Conditions:
Kufor-Rakeb syndrome (KRS). Also called: PARKINSON DISEASE 9, AUTOSOMAL RECESSIVE, JUVENILE-ONSET. Identifiers: Orphanet 306674, Orphanet 314632, MedGen C1847640, MONDO:0011706, OMIM 606693.
Autosomal recessive spastic paraplegia type 78. Identifiers: Orphanet 513436, MedGen C5567893, MONDO:0014975, OMIM 617225.
Inborn genetic diseases. Identifiers: MedGen C0950123, MeSH D030342.

Allele frequency attached by ClinVar (database versions not stated): gnomAD exomes below 0.00001; ExAC 0.00001; TOPMed 0.00002.

Submissions (2):

Labcorp Genetics (formerly Invitae), Labcorp
Classification: Uncertain significance for Kufor-Rakeb syndrome; Autosomal recessive spastic paraplegia type 78. Last evaluated: 2022-10-26. Review status: criteria provided, single submitter. Criteria: Invitae Variant Classification Sherloc (09022015). Collection method: clinical testing. Allele origin: germline.
Comment: This sequence change replaces methionine, which is neutral and non-polar, with lysine, which is basic and polar, at codon 210 of the ATP13A2 protein (p.Met210Lys). This variant is present in population databases (rs749082570, gnomAD 0.003%). This missense change has been observed in individual(s) with parkinsonism (PMID: 31771779). Advanced modeling of protein sequence and biophysical properties (such as structural, functional, and spatial information, amino acid conservation, physicochemical variation, residue mobility, and thermodynamic stability) performed at Invitae indicates that this missense variant is not expected to disrupt ATP13A2 protein function. Algorithms developed to predict the effect of sequence changes on RNA splicing suggest that this variant may disrupt the consensus splice site. In summary, the available evidence is currently insufficient to determine the role of this variant in disease. Therefore, it has been classified as a Variant of Uncertain Significance.

Ambry Genetics
Classification: Uncertain significance for Inborn genetic diseases. Last evaluated: 2017-11-13. Review status: criteria provided, single submitter. Criteria: Ambry Variant Classification Scheme 2023. Collection method: clinical testing. Allele origin: germline.
Comment: The p.M210K variant (also known as c.629T>A), located in coding exon 7 of the ATP13A2 gene, results from a T to A substitution at nucleotide position 629. The methionine at codon 210 is replaced by lysine, an amino acid with similar properties. This amino acid position is not conserved on limited sequence alignment. In addition, this alteration is predicted to be tolerated by in silico analysis. Since supporting evidence is limited at this time, the clinical significance of this alteration remains unclear.

Literature cited by the submitters: PubMed 31771779 (cited by Labcorp Genetics (formerly Invitae), Labcorp).